The following is an entry in ClinVar:

ClinVar aggregate classification (germline): Uncertain significance (1 of 4 stars; one submission).

Allele frequency attached by ClinVar (database versions not stated): gnomAD 0.00003; TOPMed 0.00004; ExAC 0.00007; ESP Exome Variant Server 0.00015.
gnomAD v4.1: 25 of 1,613,466 alleles (0.0015%); highest among the groups gnomAD compares: African/African-American, 0.011%; no homozygotes.

Submission:

Labcorp Genetics (formerly Invitae), Labcorp
Classification: Uncertain significance. Last evaluated: 2022-06-01. Review status: criteria provided, single submitter. Criteria: Invitae Variant Classification Sherloc (09022015). Collection method: clinical testing. Allele origin: germline.
Comment: Algorithms developed to predict the effect of missense changes on protein structure and function are either unavailable or do not agree on the potential impact of this missense change (SIFT: "Not Available"; PolyPhen-2: "Probably Damaging"; Align-GVGD: "Not Available"). This variant has not been reported in the literature in individuals affected with NUP160-related conditions. This variant is present in population databases (rs367769746, gnomAD 0.05%). This sequence change replaces arginine, which is basic and polar, with glutamine, which is neutral and polar, at codon 171 of the NUP160 protein (p.Arg171Gln). In summary, the available evidence is currently insufficient to determine the role of this variant in disease. Therefore, it has been classified as a Variant of Uncertain Significance.

NM_015231.3(NUP160):c.410G>A (p.Arg137Gln)

Gene: NUP160 (nucleoporin 160; minus strand). Cytogenetic location: 11p11.2.
Variant type: single nucleotide variant.
Coding change: c.410G>A on transcript NM_015231.3 (MANE Select); coding-DNA position 410, G replaced by A.
Protein change: p.Arg137Gln; replaces arginine 137 with glutamine.
Molecular consequence: missense variant. On other transcripts: non-coding transcript variant (1).
Genome position (GRCh38, 1-based): chr11:47,840,391, C>T on the plus strand (G>A on the coding strand, the complement: NUP160 is on the minus strand). VCF-style: chr11-47840391-C-T. GRCh37 (hg19) VCF-style: chr11-47861943-C-T.
Other names: c.512G>A, p.Arg171Gln (NM_001318399.1); short protein forms R137Q, R171Q.
Identifiers: ClinVar variation 1982285 (VCV001982285.4), dbSNP rs367769746, ClinGen allele CA5981637.
Genomic context (GRCh38, chr11:47,840,391, plus strand): 5'-CCCAGAGTAATTTGGGAAATAAAAGATATTGCACTTAGCCAACTTACACTCCTATACATC[C>T]GGGAGGGGTGTGGTAAAAGTAACCTGTGCACTGTTTGATTGGTTAACATCAAGATTATCA-3'
Protein context (NP_056046.2, residues 127-147): VHRLLLPHPS[Arg137Gln]MYRSELVVDS